The following is an entry in ClinVar:

NM_006767.4(LZTR1):c.730dup (p.Ser244fs)

Gene: LZTR1 (leucine zipper like post translational regulator 1; plus strand). Cytogenetic location: 22q11.21.
Variant type: Duplication.
Coding change: c.730dup on transcript NM_006767.4 (MANE Select); coding-DNA position 730, one base duplicated (T; older notation c.730dupT).
Protein change: p.Ser244fs; shifts the reading frame from serine 244.
Molecular consequence: frameshift variant.
Genome position (GRCh38, 1-based): chr22:20,990,464, T duplicated. VCF-style (leftmost placement, unchanged base first): chr22-20990463-C-CT. GRCh37 (hg19) VCF-style: chr22-21344752-C-CT.
Other names: c.730dupT (NM_006767.3); short protein forms S244fs.
Identifiers: ClinVar variation 3628367 (VCV003628367.3).

ClinVar aggregate classification (germline): Pathogenic. Review status: criteria provided, multiple submitters, no conflicts (2 of 4 stars). 2 submissions from 2 submitters: Pathogenic (2). Last evaluated 2026-05-01.

Conditions:
Cardiovascular phenotype. Identifiers: MedGen CN230736.
Hereditary cancer-predisposing syndrome. Also called: Hereditary neoplastic syndrome; Tumor predisposition; Hereditary Cancer Syndrome; Neoplastic Syndromes, Hereditary. Identifiers: Orphanet 140162, MedGen C0027672, MeSH D009386, MONDO:0015356.

Submissions (2):

Ambry Genetics
Classification: Pathogenic for Cardiovascular phenotype; Hereditary cancer-predisposing syndrome. Last evaluated: 2026-05-01. Review status: criteria provided, single submitter. Criteria: Ambry Variant Classification Scheme 2023. Collection method: clinical testing. Allele origin: germline.
Comment: The c.730dupT pathogenic mutation, located in coding exon 8 of the LZTR1 gene, results from a duplication of T at nucleotide position 730, causing a translational frameshift with a predicted alternate stop codon (p.S244Ffs*16). This variant is considered to be rare based on population cohorts in the Genome Aggregation Database (gnomAD). This variant is expected to result in loss of function by premature protein truncation or nonsense-mediated mRNA decay. Loss-of-function variants in LZTR1 are related to an increased risk for schwannomas and autosomal recessive Noonan syndrome; however, such associations with autosomal dominant Noonan syndrome have not been observed (Piotrowski A et al. Nat Genet. 2014 Feb;46:182-7; Yamamoto GL et al. J Med Genet. 2015 Jun;52:413-21; Johnston JJ et al. Genet Med. 2018 10;20:1175-1185). Based on the supporting evidence, this variant is pathogenic for an increased risk of LZTR1-related schwannomatosis (SWN) and would be expected to cause autosomal recessive Noonan syndrome when present along with a second pathogenic or likely pathogenic variant on the other allele; however, the association of this variant with autosomal dominant Noonan syndrome is unlikely.

Labcorp Genetics (formerly Invitae), Labcorp
Classification: Pathogenic. Last evaluated: 2024-06-24. Review status: criteria provided, single submitter. Criteria: Invitae Variant Classification Sherloc (09022015). Collection method: clinical testing. Allele origin: germline.
Comment: This sequence change creates a premature translational stop signal (p.Ser244Phefs*16) in the LZTR1 gene. It is expected to result in an absent or disrupted protein product. Loss-of-function variants in LZTR1 are known to be pathogenic (PMID: 24362817, 25335493, 25480913, 25795793, 29469822, 30368668, 30442762, 30442766, 30481304, 30859559). This variant is not present in population databases (gnomAD no frequency). This variant has not been reported in the literature in individuals affected with LZTR1-related conditions. For these reasons, this variant has been classified as Pathogenic.

Literature cited by the submitters: PubMed 24362817 (cited by Labcorp Genetics (formerly Invitae), Labcorp); PubMed 25335493 (cited by Labcorp Genetics (formerly Invitae), Labcorp); PubMed 25480913 (cited by Labcorp Genetics (formerly Invitae), Labcorp); PubMed 25795793 (cited by Labcorp Genetics (formerly Invitae), Labcorp); PubMed 29469822 (cited by Labcorp Genetics (formerly Invitae), Labcorp); PubMed 30368668 (cited by Labcorp Genetics (formerly Invitae), Labcorp); PubMed 30442762 (cited by Labcorp Genetics (formerly Invitae), Labcorp); PubMed 30442766 (cited by Labcorp Genetics (formerly Invitae), Labcorp); PubMed 30481304 (cited by Labcorp Genetics (formerly Invitae), Labcorp); PubMed 30859559 (cited by Labcorp Genetics (formerly Invitae), Labcorp).